The following is an entry in ClinVar:

ClinVar aggregate classification (germline): Uncertain significance (1 of 4 stars; one submission).

Conditions:
EGFR-related lung cancer (EGFR). Identifiers: MedGen CN130014.

Submission:

Labcorp Genetics (formerly Invitae), Labcorp
Classification: Uncertain significance for EGFR-related lung cancer. Last evaluated: 2025-02-03. Review status: criteria provided, single submitter. Criteria: Invitae Variant Classification Sherloc (09022015). Collection method: clinical testing. Allele origin: germline.
Comment: This sequence change replaces glycine, which is neutral and non-polar, with serine, which is neutral and polar, at codon 1189 of the EGFR protein (p.Gly1189Ser). This variant is not present in population databases (gnomAD no frequency). This variant has not been reported in the literature in individuals affected with EGFR-related conditions. An algorithm developed to predict the effect of missense changes on protein structure and function (PolyPhen-2) suggests that this variant is likely to be tolerated. In summary, the available evidence is currently insufficient to determine the role of this variant in disease. Therefore, it has been classified as a Variant of Uncertain Significance.

NM_005228.5(EGFR):c.3565G>A (p.Gly1189Ser)

Gene: EGFR (epidermal growth factor receptor; plus strand). Cytogenetic location: 7p11.2.
Variant type: single nucleotide variant.
Coding change: c.3565G>A on transcript NM_005228.5 (MANE Select); coding-DNA position 3565, G replaced by A.
Protein change: p.Gly1189Ser; replaces glycine 1189 with serine.
Molecular consequence: missense variant.
Genome position (GRCh38, 1-based): chr7:55,205,549, G>A. VCF-style: chr7-55205549-G-A. GRCh37 (hg19) VCF-style: chr7-55273242-G-A.
Other names: c.3430G>A, p.Gly1144Ser (NM_001346899.2); c.3406G>A, p.Gly1136Ser (NM_001346900.2); c.2764G>A, p.Gly922Ser (NM_001346941.2); short protein forms G1136S, G922S, G1189S, G1144S.
Identifiers: ClinVar variation 4712139 (VCV004712139.1).